The following is an entry in ClinVar:

ClinVar aggregate classification (germline): Uncertain significance. Review status: criteria provided, multiple submitters, no conflicts (2 of 4 stars). 2 submissions from 2 submitters: Uncertain significance (2). Last evaluated 2026-02-27.

Conditions:
Hereditary breast ovarian cancer syndrome. Also called: BRCA1- and BRCA2-Associated Hereditary Breast and Ovarian Cancer; Hereditary breast and ovarian cancer; Breast and ovarian cancer; Hereditary breast and/or ovarian cancer syndrome; Hereditary breast and ovarian cancer syndrome (HBOC); Hereditary breast and ovarian cancer syndrome. Identifiers: Orphanet 145, MedGen C0677776, MeSH D061325, MONDO:0003582. Disease mechanism: loss of function.
Hereditary cancer-predisposing syndrome. Also called: Hereditary Cancer Syndrome; Neoplastic Syndromes, Hereditary; Tumor predisposition; Hereditary neoplastic syndrome. Identifiers: Orphanet 140162, MedGen C0027672, MeSH D009386, MONDO:0015356.

Submissions (2):

Ambry Genetics
Classification: Uncertain significance for Hereditary cancer-predisposing syndrome. Last evaluated: 2026-02-27. Review status: criteria provided, single submitter. Criteria: Ambry Variant Classification Scheme 2023. Collection method: clinical testing. Allele origin: germline.
Comment: The p.K604R variant (also known as c.1811A>G), located in coding exon 9 of the BRCA1 gene, results from an A to G substitution at nucleotide position 1811. The lysine at codon 604 is replaced by arginine, an amino acid with highly similar properties. This amino acid position is well conserved in available vertebrate species. In addition, the in silico prediction for this alteration is inconclusive. Based on the available evidence, the clinical significance of this variant remains unclear.

Labcorp Genetics (formerly Invitae), Labcorp
Classification: Uncertain significance for Hereditary breast ovarian cancer syndrome. Last evaluated: 2024-07-15. Review status: criteria provided, single submitter. Criteria: Invitae Variant Classification Sherloc (09022015). Collection method: clinical testing. Allele origin: germline.
Comment: This sequence change replaces lysine, which is basic and polar, with arginine, which is basic and polar, at codon 604 of the BRCA1 protein (p.Lys604Arg). This variant is not present in population databases (gnomAD no frequency). This variant has not been reported in the literature in individuals affected with BRCA1-related conditions. Advanced modeling of protein sequence and biophysical properties (such as structural, functional, and spatial information, amino acid conservation, physicochemical variation, residue mobility, and thermodynamic stability) performed at Invitae indicates that this missense variant is not expected to disrupt BRCA1 protein function with a negative predictive value of 95%. In summary, the available evidence is currently insufficient to determine the role of this variant in disease. Therefore, it has been classified as a Variant of Uncertain Significance.

NM_007294.4(BRCA1):c.1811A>G (p.Lys604Arg)

Gene: BRCA1 (BRCA1 DNA repair associated; minus strand). Cytogenetic location: 17q21.31.
Variant type: single nucleotide variant.
Coding change: c.1811A>G on transcript NM_007294.4 (MANE Select); coding-DNA position 1811, A replaced by G.
Protein change: p.Lys604Arg; replaces lysine 604 with arginine.
Molecular consequence: missense variant. On other transcripts: intron variant (137).
Genome position (GRCh38, 1-based): chr17:43,093,720, T>C on the plus strand (A>G on the coding strand, the complement: BRCA1 is on the minus strand). VCF-style: chr17-43093720-T-C. GRCh37 (hg19) VCF-style: chr17-41245737-T-C.
Other names: c.1475A>G, p.Lys492Arg (NM_001407955.1, NM_001407956.1, NM_001407958.1 and 1 more transcripts); c.1478A>G, p.Lys493Arg (NM_001407957.1, NM_001407948.1, NM_001407949.1 and 6 more transcripts); c.1430A>G, p.Lys477Arg (NM_001407959.1, NM_001407960.1, NM_001407963.1); c.1427A>G, p.Lys476Arg (NM_001407962.1); c.643+1024A>G (NM_001408470.1, NM_001408464.1, NM_001408468.1 and 3 more transcripts); c.646+1024A>G (NM_001408469.1, NM_001408453.1, NM_001408461.1 and 11 more transcripts); c.784+1024A>G (NM_001408397.1, NM_001408401.1, NM_001408396.1 and 13 more transcripts); c.664+1024A>G (NM_001408436.1, NM_001408444.1, NM_001408438.1 and 12 more transcripts); and 40 more; short protein forms K308R, K436R, K477R, K492R, K516R, K557R, K537R, K563R.
Identifiers: ClinVar variation 3634684 (VCV003634684.3).
Genomic context (GRCh38, chr17:43,093,720, plus strand): 5'-TCAAGCGCATGAATATGCCTGGTAGAAGACTTCCTCCTCAGCCTATTCTTTTTAGGTGCT[T>C]TTGAATTGTGGATATTTAATTCGAGTTCCATATTGCTTATACTGCTGCTTATAGGTTCAG-3'
Protein context (NP_009225.1, residues 594-614): MELELNIHNS[Lys604Arg]APKKNRLRRK